The following is an entry in ClinVar:

NM_001276270.2(MBD4):c.311G>A (p.Gly104Glu)

Gene: MBD4 (methyl-CpG binding domain 4, DNA glycosylase; minus strand). Cytogenetic location: 3q21.3.
Variant type: single nucleotide variant.
Coding change: c.311G>A on transcript NM_001276270.2 (MANE Select); coding-DNA position 311, G replaced by A.
Protein change: p.Gly104Glu; replaces glycine 104 with glutamic acid.
Molecular consequence: missense variant. On other transcripts: intron variant (1).
Genome position (GRCh38, 1-based): chr3:129,437,744, C>T on the plus strand (G>A on the coding strand, the complement: MBD4 is on the minus strand). VCF-style: chr3-129437744-C-T. GRCh37 (hg19) VCF-style: chr3-129156587-C-T.
Other names: c.311G>A, p.Gly104Glu (NM_001276271.2, NM_001276272.2, NM_003925.3); c.247+64G>A (NM_001276273.2); short protein forms G104E.
Identifiers: ClinVar variation 4746993 (VCV004746993.1).

ClinVar aggregate classification (germline): Uncertain significance (1 of 4 stars; one submission).

Submission:

Labcorp Genetics (formerly Invitae), Labcorp
Classification: Uncertain significance. Last evaluated: 2025-04-04. Review status: criteria provided, single submitter. Criteria: Invitae Variant Classification Sherloc (09022015). Collection method: clinical testing. Allele origin: germline.
Comment: This sequence change replaces glycine, which is neutral and non-polar, with glutamic acid, which is acidic and polar, at codon 104 of the MBD4 protein (p.Gly104Glu). This variant is not present in population databases (gnomAD no frequency). This variant has not been reported in the literature in individuals affected with MBD4-related conditions. An algorithm developed to predict the effect of missense changes on protein structure and function (PolyPhen-2) suggests that this variant is likely to be disruptive. In summary, the available evidence is currently insufficient to determine the role of this variant in disease. Therefore, it has been classified as a Variant of Uncertain Significance.